The following is an entry in ClinVar:

ClinVar aggregate classification (germline): Uncertain significance (1 of 4 stars; one submission).

Submission:

GeneDx
Classification: Uncertain significance. Last evaluated: 2013-09-26. Review status: criteria provided, single submitter. Criteria: GeneDx Variant Classification (06012015). Collection method: clinical testing. Allele origin: germline. Affected: yes.
Comment: p.Ala142Val (GCC>GTC): c.425 C>T in exon 5 of the PRICKLE1 gene (NM_153026.2). The Ala142Val missense change has not been published as a mutation, nor has it been reported as a benign polymorphism to our knowledge. It was not observed in approximately 6,500 individuals of European and African American ancestry in the NHLBI Exome Sequencing Project, indicating it is not a common benign variant in these populations. This variant is a conservative substitution, as Alanine and Valine are both uncharged, non-polar amino acids. It alters a position that is conserved through mammals but is not conserved in more distant species through evolution. In silico analysis is inconsistent with regard to the effect this variant may have on the protein structure/function. Therefore, based on the currently available information, it is unclear whether Ala142Val is a disease-causing mutation or a rare benign variant. The variant is found in EPILEPSY panel(s).

NM_153026.3(PRICKLE1):c.425C>T (p.Ala142Val)

Gene: PRICKLE1 (prickle planar cell polarity protein 1; minus strand). Cytogenetic location: 12q12.
Variant type: single nucleotide variant.
Coding change: c.425C>T on transcript NM_153026.3 (MANE Select); coding-DNA position 425, C replaced by T.
Protein change: p.Ala142Val; replaces alanine 142 with valine.
Molecular consequence: missense variant.
Genome position (GRCh38, 1-based): chr12:42,468,789, G>A on the plus strand (C>T on the coding strand, the complement: PRICKLE1 is on the minus strand). VCF-style: chr12-42468789-G-A. GRCh37 (hg19) VCF-style: chr12-42862591-G-A.
Other names: p.A142V:GCC>GTC; c.425C>T, p.Ala142Val (NM_001144881.2, NM_001144882.2, NM_001144883.2); short protein forms A142V.
Identifiers: ClinVar variation 206660 (VCV000206660.2), dbSNP rs796052928, ClinGen allele CA316972.